The following is an entry in ClinVar:

ClinVar aggregate classification (germline): Uncertain significance (1 of 4 stars; one submission).

Conditions:
Hereditary spastic paraplegia 2 (SPG2). Also called: SPASTIC PARAPLEGIA 2, X-LINKED; Spastic Paraplegia 2 (SPG2). Identifiers: Orphanet 99015, MedGen C0751604, MONDO:0010733, OMIM 312920.

Submission:

Labcorp Genetics (formerly Invitae), Labcorp
Classification: Uncertain significance for Hereditary spastic paraplegia 2. Last evaluated: 2024-04-07. Review status: criteria provided, single submitter. Criteria: Invitae Variant Classification Sherloc (09022015). Collection method: clinical testing. Allele origin: germline.
Comment: This sequence change replaces alanine, which is neutral and non-polar, with aspartic acid, which is acidic and polar, at codon 84 of the PLP1 protein (p.Ala84Asp). This variant is not present in population databases (gnomAD no frequency). This missense change has been observed in individual(s) with Pelizaeus-Merzbacher disease (PMID: 29486744). It has also been observed to segregate with disease in related individuals. Advanced modeling of protein sequence and biophysical properties (such as structural, functional, and spatial information, amino acid conservation, physicochemical variation, residue mobility, and thermodynamic stability) performed at Invitae indicates that this missense variant is not expected to disrupt PLP1 protein function with a negative predictive value of 80%. In summary, the available evidence is currently insufficient to determine the role of this variant in disease. Therefore, it has been classified as a Variant of Uncertain Significance.

Literature cited by the submitters: PubMed 29486744.

NM_000533.5(PLP1):c.251C>A (p.Ala84Asp)

Genes: RAB9B (RAB9B, member RAS oncogene family; minus strand), PLP1 (proteolipid protein 1; plus strand). Cytogenetic location: Xq22.2.
Variant type: single nucleotide variant.
Coding change: c.251C>A on transcript NM_000533.5 (MANE Select); coding-DNA position 251, C replaced by A.
Protein change: p.Ala84Asp; replaces alanine 84 with aspartic acid.
Molecular consequence: missense variant.
Genome position (GRCh38, 1-based): chrX:103,786,524, C>A. VCF-style: chrX-103786524-C-A. GRCh37 (hg19) VCF-style: chrX-103041453-C-A.
Other names: c.251C>A, p.Ala84Asp (NM_001128834.3, NM_199478.3); c.86C>A, p.Ala29Asp (NM_001305004.1); short protein forms A29D, A84D.
Identifiers: ClinVar variation 3704504 (VCV003704504.2).